The following is an entry in ClinVar:

ClinVar aggregate classification (germline): Uncertain significance (1 of 4 stars; one submission).

Conditions:
Gamma-aminobutyric acid transaminase deficiency (GABATD). Also called: GABA aminotransaminase deficiency; GABA transaminase deficiency; Gamma aminobutyrate transaminase deficiency; 4 alpha aminobutyrate transaminase deficiency. Identifiers: Orphanet 2066, MedGen C0342708, MONDO:0013166, OMIM 613163.

Submission:

Labcorp Genetics (formerly Invitae), Labcorp
Classification: Uncertain significance for Gamma-aminobutyric acid transaminase deficiency. Last evaluated: 2021-08-24. Review status: criteria provided, single submitter. Criteria: Invitae Variant Classification Sherloc (09022015). Collection method: clinical testing. Allele origin: germline.
Comment: This variant, c.854_856del, results in the deletion of 1 amino acid(s) of the ABAT protein (p.Lys285del), but otherwise preserves the integrity of the reading frame. This variant is present in population databases (rs748632743, ExAC 0.009%). This variant has not been reported in the literature in individuals affected with ABAT-related conditions. Experimental studies and prediction algorithms are not available or were not evaluated, and the functional significance of this variant is currently unknown. In summary, the available evidence is currently insufficient to determine the role of this variant in disease. Therefore, it has been classified as a Variant of Uncertain Significance.

NM_020686.6(ABAT):c.848AGA[2] (p.Lys285del)

Gene: ABAT (4-aminobutyrate aminotransferase; plus strand). Cytogenetic location: 16p13.2.
Variant type: Microsatellite.
Coding change: c.848AGA[2] on transcript NM_020686.6 (MANE Select); two copies in a row of the 3-base unit AGA starting at c.848; the reference has three copies in a row; one copy, 3 bases deleted.
Protein change: p.Lys285del; deletes lysine 285.
Molecular consequence: inframe deletion. On other transcripts: splice acceptor variant (1).
Genome position (GRCh38, 1-based): chr16:8,772,817-8,772,819, AGA deleted; deleting any 3 consecutive bases within chr16:8,772,810-8,772,819 gives the same sequence; the position shown is the placement nearest the transcript's 3' end. VCF-style (leftmost placement, unchanged base first): chr16-8772809-AAAG-A. GRCh37 (hg19) VCF-style: chr16-8866666-AAAG-A.
Other names: c.848AGA[2], p.Lys285del (NM_000663.5, NM_001127448.2, NM_001386600.1 and 6 more transcripts); c.785AGA[2], p.Lys264del (NM_001386606.1, NM_001386607.1); c.755AGA[2], p.Lys254del (NM_001386608.1); c.713AGA[2], p.Lys240del (NM_001386610.1, NM_001386611.1); c.650AGA[2], p.Lys219del (NM_001386612.1, NM_001386613.1); c.602AGA[2], p.Lys203del (NM_001386614.1); c.944AGA[2], p.Lys317del (NM_001386615.1); c.817-9AAG[2] (NM_001386605.1); short protein forms K219del, K254del, K264del, K203del, K285del, K317del, K240del.
Identifiers: ClinVar variation 1412727 (VCV001412727.5), dbSNP rs748632743, ClinGen allele CA7893335.